The following is an entry in ClinVar:

NM_003194.5(TBP):c.225GCA[11] (p.Gln88_Gln95del)

Genes: TBP (TATA-box binding protein; plus strand), LOC108663996 (TATA-box binding protein repeat instability region; plus strand). Cytogenetic location: 6q27.
Variant type: Microsatellite.
Coding change: c.225GCA[11] on transcript NM_003194.5 (MANE Select); 11 copies in a row of the 3-base unit GCA starting at c.225; the reference has 19 copies in a row; eight copies, 24 bases deleted.
Protein change: p.Gln88_Gln95del.
Molecular consequence: inframe deletion.
Genome position (GRCh38, 1-based): chr6:170,561,994-170,562,017, GCAGCAGCAGCAGCAGCAGCAGCA deleted; deleting any 24 consecutive bases within chr6:170,561,959-170,562,017 gives the same sequence; the position shown is the placement nearest the transcript's 3' end. VCF-style (leftmost placement, unchanged base first): chr6-170561958-ACAGCAGCAGCAGCAGCAGCAGCAG-A. GRCh37 (hg19) VCF-style: chr6-170871046-ACAGCAGCAGCAGCAGCAGCAGCAG-A.
Other names: c.165GCA[11], p.Gln68_Gln75del (NM_001172085.2).
Identifiers: ClinVar variation 2657159 (VCV002657159.24), dbSNP rs752404282, ClinGen allele CA822631008.

ClinVar aggregate classification (germline): Benign (1 of 4 stars; one submission).

Submission:

CeGaT Center for Human Genetics Tuebingen
Classification: Benign. Last evaluated: 2022-05-01. Review status: criteria provided, single submitter. Criteria: CeGaT Center For Human Genetics Tuebingen Variant Classification Criteria Version 2. Collection method: clinical testing. Allele origin: germline. Affected: yes. Observed: 1 variant allele.
Comment: TBP: BS1, BS2